The following is an entry in ClinVar:

ClinVar aggregate classification (germline): Uncertain significance (1 of 4 stars; one submission).

Allele frequency attached by ClinVar (database versions not stated): gnomAD exomes 0.00001; gnomAD 0.00001; ExAC 0.00002; TOPMed 0.00001.
gnomAD v4.1: 4 of 1,600,498 alleles (0.00025%); highest among the groups gnomAD compares: Admixed American, 0.0068%; no homozygotes.

Submission:

Labcorp Genetics (formerly Invitae), Labcorp
Classification: Uncertain significance. Last evaluated: 2022-08-16. Review status: criteria provided, single submitter. Criteria: Invitae Variant Classification Sherloc (09022015). Collection method: clinical testing. Allele origin: germline.
Comment: This sequence change replaces tyrosine, which is neutral and polar, with cysteine, which is neutral and slightly polar, at codon 129 of the FGF3 protein (p.Tyr129Cys). This variant is present in population databases (rs781892148, gnomAD 0.006%). This variant has not been reported in the literature in individuals affected with FGF3-related conditions. ClinVar contains an entry for this variant (Variation ID: 1426032). Algorithms developed to predict the effect of missense changes on protein structure and function are either unavailable or do not agree on the potential impact of this missense change (SIFT: "Deleterious"; PolyPhen-2: "Probably Damaging"; Align-GVGD: "Class C0"). In summary, the available evidence is currently insufficient to determine the role of this variant in disease. Therefore, it has been classified as a Variant of Uncertain Significance.

NM_005247.4(FGF3):c.386A>G (p.Tyr129Cys)

Gene: FGF3 (fibroblast growth factor 3; minus strand). Cytogenetic location: 11q13.3.
Variant type: single nucleotide variant.
Coding change: c.386A>G on transcript NM_005247.4 (MANE Select); coding-DNA position 386, A replaced by G.
Protein change: p.Tyr129Cys; replaces tyrosine 129 with cysteine.
Molecular consequence: missense variant.
Genome position (GRCh38, 1-based): chr11:69,810,639, T>C on the plus strand (A>G on the coding strand, the complement: FGF3 is on the minus strand). VCF-style: chr11-69810639-T-C. GRCh37 (hg19) VCF-style: chr11-69625407-T-C.
Other names: short protein forms Y129C.
Identifiers: ClinVar variation 1426032 (VCV001426032.5), dbSNP rs781892148, ClinGen allele CA6157084.